The following is an entry in ClinVar:

ClinVar aggregate classification (germline): Uncertain significance (1 of 4 stars; one submission).

Submission:

Ambry Genetics
Classification: Uncertain significance. Last evaluated: 2025-07-13. Review status: criteria provided, single submitter. Criteria: Ambry Variant Classification Scheme 2023. Collection method: clinical testing. Allele origin: germline.
Comment: The p.P348L variant (also known as c.1043C>T), located in coding exon 1 of the CDK12 gene, results from a C to T substitution at nucleotide position 1043. The proline at codon 348 is replaced by leucine, an amino acid with similar properties. This amino acid position is conserved. In addition, this alteration is predicted to be tolerated by in silico analysis. Based on the available evidence, the clinical significance of this variant remains unclear.

NM_016507.4(CDK12):c.1043C>T (p.Pro348Leu)

Gene: CDK12 (cyclin dependent kinase 12; plus strand). Cytogenetic location: 17q12.
Variant type: single nucleotide variant.
Coding change: c.1043C>T on transcript NM_016507.4 (MANE Select); coding-DNA position 1043, C replaced by T.
Protein change: p.Pro348Leu; replaces proline 348 with leucine.
Molecular consequence: missense variant.
Genome position (GRCh38, 1-based): chr17:39,463,114, C>T. VCF-style: chr17-39463114-C-T. GRCh37 (hg19) VCF-style: chr17-37619367-C-T.
Other names: c.1043C>T, p.Pro348Leu (NM_015083.4); short protein forms P348L.
Identifiers: ClinVar variation 4224286 (VCV004224286.1).